The following is an entry in ClinVar:

ClinVar aggregate classification (germline): Likely pathogenic (1 of 4 stars; one submission).

Conditions:
Fanconi anemia (FA). Also called: Fanconi's anemia. Identifiers: Orphanet 84, MedGen C0015625, MeSH D005199, MONDO:0019391.

Allele frequency attached by ClinVar (database versions not stated): gnomAD exomes below 0.00001; ExAC 0.00001.
gnomAD v4.1: 1 of 1,614,066 alleles (0.000062%); highest among the groups gnomAD compares: Non-Finnish European, 0.000085%; no homozygotes.

Submission:

Labcorp Genetics (formerly Invitae), Labcorp
Classification: Likely pathogenic for Fanconi anemia. Last evaluated: 2023-12-04. Review status: criteria provided, single submitter. Criteria: Invitae Variant Classification Sherloc (09022015). Collection method: clinical testing. Allele origin: germline.
Comment: This sequence change affects a donor splice site in intron 21 of the FANCI gene. It is expected to disrupt RNA splicing. Variants that disrupt the donor or acceptor splice site typically lead to a loss of protein function (PMID: 16199547), and loss-of-function variants in FANCI are known to be pathogenic (PMID: 17452773, 17460694). This variant is present in population databases (rs771293885, gnomAD 0.0009%). This variant has not been reported in the literature in individuals affected with FANCI-related conditions. Algorithms developed to predict the effect of sequence changes on RNA splicing suggest that this variant may disrupt the consensus splice site. In summary, the currently available evidence indicates that the variant is pathogenic, but additional data are needed to prove that conclusively. Therefore, this variant has been classified as Likely Pathogenic.

Literature cited by the submitters: PubMed 16199547; PubMed 17452773; PubMed 17460694.

NM_001113378.2(FANCI):c.2169+1G>A

Gene: FANCI (FA complementation group I; plus strand). Cytogenetic location: 15q26.1.
Variant type: single nucleotide variant.
Coding change: c.2169+1G>A on transcript NM_001113378.2 (MANE Select); the canonical splice donor site of the intron after coding-DNA position 2169, G replaced by A.
Molecular consequence: splice donor variant.
Genome position (GRCh38, 1-based): chr15:89,292,865, G>A. VCF-style: chr15-89292865-G-A. GRCh37 (hg19) VCF-style: chr15-89836096-G-A.
Other names: c.2169+1G>A (NM_018193.3, NM_001376911.1); c.1890+1G>A (NM_001376910.1).
Identifiers: ClinVar variation 2907471 (VCV002907471.3), dbSNP rs771293885, ClinGen allele CA7723291.